The following is an entry in ClinVar:

ClinVar aggregate classification (germline): Uncertain significance (1 of 4 stars; one submission).

Submission:

GeneDx
Classification: Uncertain significance. Last evaluated: 2024-04-12. Review status: criteria provided, single submitter. Criteria: GeneDx Variant Classification Process June 2021. Collection method: clinical testing. Allele origin: germline. Affected: yes.
Comment: Not observed at significant frequency in large population cohorts (gnomAD); In silico analysis supports that this missense variant has a deleterious effect on protein structure/function; Has not been previously published as pathogenic or benign to our knowledge

NM_001374828.1(ARID1B):c.2411G>T (p.Gly804Val)

Gene: ARID1B (AT-rich interaction domain 1B; plus strand). Cytogenetic location: 6q25.3.
Variant type: single nucleotide variant.
Coding change: c.2411G>T on transcript NM_001374828.1 (MANE Select); coding-DNA position 2411, G replaced by T.
Protein change: p.Gly804Val; replaces glycine 804 with valine.
Molecular consequence: missense variant. On other transcripts: 5 prime UTR variant (1).
Genome position (GRCh38, 1-based): chr6:157,084,825, G>T. VCF-style: chr6-157084825-G-T. GRCh37 (hg19) VCF-style: chr6-157405959-G-T.
Other names: c.-89G>T (NM_001363725.2); c.2450G>T, p.Gly817Val (NM_001371656.1, NM_001374820.1); c.2411G>T, p.Gly804Val (NM_017519.3); c.2201G>T (NM_020732.3); short protein forms G804V, G817V.
Identifiers: ClinVar variation 3372284 (VCV003372284.1).
Genomic context (GRCh38, chr6:157,084,825, plus strand): 5'-ACCCGGCGCAGTCGCCTTTCTCCCCACATGCGTCCCCTCATCTCTCCAGCATCCCGGGGG[G>T]CCCATCTCCCTCTCCTGTTGGCTCTCCTGTAGGAAGCAACCAGTCTCGATCTGGCCCAAT-3'
Protein context (NP_001361757.1, residues 794-814): ASPHLSSIPG[Gly804Val]PSPSPVGSPV